The following is an entry in ClinVar:

ClinVar aggregate classification (germline): Likely pathogenic (1 of 4 stars; one submission).

Conditions:
Nemaline myopathy 2 (NEM2). Also called: Nemaline myopathy 2, autosomal recessive. Identifiers: MedGen C1850569, MONDO:0009725, OMIM 256030.

Submission:

Natera, Inc.
Classification: Likely pathogenic for Nemaline myopathy type 2. Last evaluated: 2025-12-01. Review status: criteria provided, single submitter. Criteria: Natera Variant Classification Schema (03/2026). Collection method: clinical testing. Allele origin: germline.
Comment: The c.23092_23093insC variant in NEB is a frameshift variant predicted to shift the reading frame beginning at codon 7698 and leads to a stop codon 6 codons downstream. This variant is expected to result in nonsense mediated decay, truncation, or a dysfunctional protein product. This variant is rare in the general population with a frequency below the threshold expected for the associated phenotype(s). Given the available evidence, this variant is classified as Likely Pathogenic.

NM_001164508.2(NEB):c.22987_22988insC (p.Val7663fs)

Genes: NEB (nebulin; minus strand), RIF1 (replication timing regulatory factor 1; plus strand). Cytogenetic location: 2q23.3.
Variant type: Insertion.
Coding change: c.22987_22988insC on transcript NM_001164508.2 (MANE Select); coding-DNA positions 22987 to 22988, C inserted.
Protein change: p.Val7663fs; shifts the reading frame from valine 7663.
Molecular consequence: frameshift variant.
Genome position: GRCh38 VCF-style: chr2-151514846-A-AG. GRCh37 (hg19) VCF-style: chr2-152371360-A-AG.
Other names: c.17884_17885insC, p.Val5962fs (NM_004543.5); c.23092_23093insC, p.Val7698fs (NM_001271208.2); c.22987_22988insC, p.Val7663fs (NM_001164507.2); short protein forms V5962fs, V7663fs, V7698fs.
Identifiers: ClinVar variation 4814756 (VCV004814756.1).